The following is an entry in ClinVar:

ClinVar aggregate classification (germline): Pathogenic/Likely pathogenic. Review status: criteria provided, multiple submitters, no conflicts (2 of 4 stars). 2 submissions from 2 submitters: Pathogenic (1); Likely pathogenic (1). Last evaluated 2019-05-16.

Conditions:
Citrullinemia type I (CTNL1). Also called: ASS DEFICIENCY; argininosuccinate synthetase deficiency. Identifiers: Orphanet 247525, MedGen C4721769, MONDO:0008988, OMIM 215700.
Citrullinemia. Identifiers: Orphanet 187, MedGen C0175683, MONDO:0015991.

Submissions (2):

Women's Health and Genetics/Laboratory Corporation of America, LabCorp
Classification: Likely pathogenic for Citrullinuria. Last evaluated: 2019-05-16. Review status: criteria provided, single submitter. Criteria: LabCorp Variant Classification Summary - May 2015. Collection method: clinical testing. Allele origin: germline.
Comment: Variant summary: ASS1 c.319delC (p.Gln107SerfsX33) results in a premature termination codon, predicted to cause a truncation of the encoded protein or absence of the protein due to nonsense mediated decay, which are commonly known mechanisms for disease. Truncations downstream of this position have been classified as pathogenic by our laboratory (c.892delG, p.Glu298fsX18; c.1030C>T, p.Arg344X). The variant was absent in 249828 control chromosomes (gnomAD). To our knowledge, no occurrence of c.319delC in individuals affected with Citrullinemia Type I and no experimental evidence demonstrating its impact on protein function have been reported. A ClinVar submission from a clinical diagnostic laboratory (evaluation after 2014) cites the variant as pathogenic. Based on the evidence outlined above, the variant was classified as likely pathogenic.

Labcorp Genetics (formerly Invitae), Labcorp
Classification: Pathogenic for Citrullinemia. Last evaluated: 2018-02-23. Review status: criteria provided, single submitter. Criteria: Invitae Variant Classification Sherloc (09022015). Collection method: clinical testing. Allele origin: germline.
Comment: This variant is not present in population databases (ExAC no frequency). For these reasons, this variant has been classified as Pathogenic. Loss-of-function variants in ASS1 are known to be pathogenic (PMID: 18473344, 19006241). This variant has not been reported in the literature in individuals with ASS1-related disease. This sequence change creates a premature translational stop signal (p.Gln107Serfs*33) in the ASS1 gene. It is expected to result in an absent or disrupted protein product.

Literature cited by the submitters: PubMed 18473344 (cited by Labcorp Genetics (formerly Invitae), Labcorp); PubMed 19006241 (cited by Labcorp Genetics (formerly Invitae), Labcorp).

NM_054012.4(ASS1):c.319del (p.Gln107fs)

Gene: ASS1 (argininosuccinate synthase 1; plus strand). Cytogenetic location: 9q34.11.
Variant type: Deletion.
Coding change: c.319del on transcript NM_054012.4 (MANE Select); coding-DNA position 319, one base deleted (C; older notation c.319delC).
Protein change: p.Gln107fs; shifts the reading frame from glutamine 107.
Molecular consequence: frameshift variant.
Genome position (GRCh38, 1-based): chr9:130,458,545, C deleted; the last of 3 consecutive C bases (chr9:130,458,543-130,458,545); deleting any one gives the same sequence. VCF-style (leftmost placement, unchanged base first): chr9-130458542-GC-G. GRCh37 (hg19) VCF-style: chr9-133333929-GC-G.
Other names: c.319delC (NM_000050.4); c.319del, p.Gln107fs (NM_000050.4); short protein forms Q107fs.
Identifiers: ClinVar variation 573823 (VCV000573823.8), dbSNP rs1564903969, ClinGen allele CA891843121.